The following is an entry in ClinVar:

NC_000023.10:g.(?_119565178)_(119565337_?)dup

Gene: LAMP2 (lysosome associated membrane protein 2; minus strand). Cytogenetic location: Xq24.
Variant type: Duplication.
Identifiers: ClinVar variation 1410587 (VCV001410587.5).

ClinVar aggregate classification (germline): Uncertain significance (1 of 4 stars; one submission).

Conditions:
Danon disease. Also called: PSEUDOGLYCOGENOSIS II; Glycogen Storage Disease Type IIb; ANTOPOL DISEASE; GSD IIb; LYSOSOMAL GLYCOGEN STORAGE DISEASE WITHOUT ACID MALTASE DEFICIENCY. Identifiers: Orphanet 34587, MedGen C0878677, MONDO:0010281, OMIM 300257.

Submission:

Labcorp Genetics (formerly Invitae), Labcorp
Classification: Uncertain significance for Danon disease. Last evaluated: 2022-03-20. Review status: criteria provided, single submitter. Criteria: Invitae Variant Classification Sherloc (09022015). Collection method: clinical testing. Allele origin: germline.
Comment: This variant results in a copy number gain of the genomic region encompassing exon(s) 9 of the LAMP2 gene. This region includes the termination codon of the gene. This copy number gain extends beyond the assayed region for this gene and therefore may encompass additional genes. As the precise location of this event is unknown, it may be in tandem or it may be located elsewhere in the genome. In summary, the available evidence is currently insufficient to determine the role of this variant in disease. Therefore, it has been classified as a Variant of Uncertain Significance. A similar copy number variant has been observed in at least one individual who was not affected with LAMP2-related conditions (Invitae). This variant has not been reported in the literature in individuals affected with LAMP2-related conditions.